The following is an entry in ClinVar:

NM_002691.4(POLD1):c.2962C>T (p.His988Tyr)

Gene: POLD1 (DNA polymerase delta 1, catalytic subunit; plus strand). Cytogenetic location: 19q13.33.
Variant type: single nucleotide variant.
Coding change: c.2962C>T on transcript NM_002691.4 (MANE Select); coding-DNA position 2962, C replaced by T.
Protein change: p.His988Tyr; replaces histidine 988 with tyrosine.
Molecular consequence: missense variant. On other transcripts: non-coding transcript variant (1).
Genome position (GRCh38, 1-based): chr19:50,416,618, C>T. VCF-style: chr19-50416618-C-T. GRCh37 (hg19) VCF-style: chr19-50919875-C-T.
Other names: c.2962C>T, p.His988Tyr (NM_001256849.1); c.3040C>T, p.His1014Tyr (NM_001308632.1); c.2962C>T (NM_002691.2); short protein forms H1014Y, H988Y.
Identifiers: ClinVar variation 1493106 (VCV001493106.9), dbSNP rs2122495467, ClinGen allele CA406986795.

ClinVar aggregate classification (germline): Uncertain significance. Review status: criteria provided, multiple submitters, no conflicts (2 of 4 stars). 2 submissions from 2 submitters: Uncertain significance (2). Last evaluated 2024-10-11.

Conditions:
POLD1-related polyposis and colorectal cancer syndrome (CRCS10). Also called: Colorectal cancer 10; COLORECTAL CANCER, SUSCEPTIBILITY TO, ON CHROMOSOME 19q; Colorectal cancer, susceptibility to, 10. Identifiers: Orphanet 220460, MedGen C2675481, MONDO:0012953, OMIM 612591.
Hereditary cancer-predisposing syndrome. Also called: Neoplastic Syndromes, Hereditary; Tumor predisposition; Hereditary Cancer Syndrome; Hereditary neoplastic syndrome. Identifiers: Orphanet 140162, MedGen C0027672, MeSH D009386, MONDO:0015356.

Submissions (2):

Ambry Genetics
Classification: Uncertain significance for Hereditary cancer-predisposing syndrome. Last evaluated: 2024-10-11. Review status: criteria provided, single submitter. Criteria: Ambry Variant Classification Scheme 2023. Collection method: clinical testing. Allele origin: germline.
Comment: The p.H988Y variant (also known as c.2962C>T), located in coding exon 23 of the POLD1 gene, results from a C to T substitution at nucleotide position 2962. The histidine at codon 988 is replaced by tyrosine, an amino acid with similar properties. This amino acid position is conserved. In addition, this alteration is predicted to be tolerated by in silico analysis. Based on the available evidence, the clinical significance of this variant remains unclear.

Labcorp Genetics (formerly Invitae), Labcorp
Classification: Uncertain significance for POLD1-related polyposis and colorectal cancer syndrome. Last evaluated: 2020-12-11. Review status: criteria provided, single submitter. Criteria: Invitae Variant Classification Sherloc (09022015). Collection method: clinical testing. Allele origin: germline.
Comment: In summary, the available evidence is currently insufficient to determine the role of this variant in disease. Therefore, it has been classified as a Variant of Uncertain Significance. This sequence change replaces histidine with tyrosine at codon 988 of the POLD1 protein (p.His988Tyr). The histidine residue is moderately conserved and there is a moderate physicochemical difference between histidine and tyrosine. The frequency data for this variant in the population databases is considered unreliable, as metrics indicate insufficient coverage at this position in the ExAC database. This variant has not been reported in the literature in individuals with POLD1-related conditions. Algorithms developed to predict the effect of missense changes on protein structure and function are either unavailable or do not agree on the potential impact of this missense change (SIFT: "Tolerated"; PolyPhen-2: "Probably Damaging"; Align-GVGD: "Class C0").